The following is an entry in ClinVar:

ClinVar aggregate classification (germline): Likely benign. Review status: criteria provided, multiple submitters, no conflicts (2 of 4 stars). 2 submissions from 2 submitters: Likely benign (2). Last evaluated 2025-04-20.

Conditions:
Ullrich congenital muscular dystrophy 2 (UCMD2). Identifiers: Orphanet 75840, MedGen C4225314, MONDO:0014654, OMIM 616470.
Bethlem myopathy 2 (BTHLM2). Identifiers: Orphanet 536516, Orphanet 610, MedGen C4225313, MONDO:0034022, OMIM 616471.

Allele frequency attached by ClinVar (database versions not stated): gnomAD 0.00003; ExAC 0.00004; gnomAD exomes 0.00004 and 0.00008; TOPMed 0.00005.
gnomAD v4.1: 119 of 1,613,812 alleles (0.0074%); highest among the groups gnomAD compares: Non-Finnish European, 0.0096%; no homozygotes.

Submissions (2):

Labcorp Genetics (formerly Invitae), Labcorp
Classification: Likely benign for Bethlem myopathy 2; Ullrich congenital muscular dystrophy 2. Last evaluated: 2025-04-20. Review status: criteria provided, single submitter. Criteria: Invitae Variant Classification Sherloc (09022015). Collection method: clinical testing. Allele origin: germline.

CeGaT Center for Human Genetics Tuebingen
Classification: Likely benign. Last evaluated: 2022-04-01. Review status: criteria provided, single submitter. Criteria: CeGaT Center For Human Genetics Tuebingen Variant Classification Criteria Version 2. Collection method: clinical testing. Allele origin: germline. Affected: yes. Observed: 1 variant allele.
Comment: COL12A1: BP4, BP7

NM_004370.6(COL12A1):c.2055T>C (p.Ser685=)

Gene: COL12A1 (collagen type XII alpha 1 chain; minus strand). Cytogenetic location: 6q13.
Variant type: single nucleotide variant.
Coding change: c.2055T>C on transcript NM_004370.6 (MANE Select); coding-DNA position 2055, T replaced by C.
Protein change: p.Ser685=; no amino-acid change (serine 685 retained).
Molecular consequence: synonymous variant. On other transcripts: intron variant (1).
Genome position (GRCh38, 1-based): chr6:75,181,048, A>G on the plus strand (T>C on the coding strand, the complement: COL12A1 is on the minus strand). VCF-style: chr6-75181048-A-G. GRCh37 (hg19) VCF-style: chr6-75890764-A-G.
Other names: c.73+21672T>C (NM_080645.3).
Identifiers: ClinVar variation 542517 (VCV000542517.34), dbSNP rs780620827, ClinGen allele CA3894075.